The following is an entry in ClinVar:

ClinVar aggregate classification (germline): Uncertain significance. Review status: criteria provided, multiple submitters, no conflicts (2 of 4 stars). 2 submissions from 2 submitters: Uncertain significance (2). Last evaluated 2025-12-24.

Conditions:
Bethlem myopathy 1A. Also called: MYOPATHY, BENIGN CONGENITAL, WITH CONTRACTURES; Bethlem myopathy 1; Bethlem Muscular Dystrophy. Identifiers: Orphanet 610, MedGen CN029274, MONDO:0024530, OMIM 158810.

Allele frequency attached by ClinVar (database versions not stated): TOPMed below 0.00001.

Submissions (2):

Labcorp Genetics (formerly Invitae), Labcorp
Classification: Uncertain significance for Bethlem myopathy 1A. Last evaluated: 2025-12-24. Review status: criteria provided, single submitter. Criteria: Invitae Variant Classification Sherloc (09022015). Collection method: clinical testing. Allele origin: germline.
Comment: This sequence change replaces asparagine, which is neutral and polar, with threonine, which is neutral and polar, at codon 72 of the COL6A1 protein (p.Asn72Thr). This variant is not present in population databases (gnomAD no frequency). This variant has not been reported in the literature in individuals affected with COL6A1-related conditions. ClinVar contains an entry for this variant (Variation ID: 2440351). Invitae Evidence Modeling of protein sequence and biophysical properties (such as structural, functional, and spatial information, amino acid conservation, physicochemical variation, residue mobility, and thermodynamic stability) indicates that this missense variant is not expected to disrupt COL6A1 protein function with a negative predictive value of 95%. In summary, the available evidence is currently insufficient to determine the role of this variant in disease. Therefore, it has been classified as a Variant of Uncertain Significance.

Revvity Omics, Revvity
Classification: Uncertain significance. Last evaluated: 2021-09-02. Review status: criteria provided, single submitter. Criteria: ACMG Guidelines, 2015. Collection method: clinical testing. Allele origin: germline.

NM_001848.3(COL6A1):c.215A>C (p.Asn72Thr)

Gene: COL6A1 (collagen type VI alpha 1 chain; plus strand). Cytogenetic location: 21q22.3.
Variant type: single nucleotide variant.
Coding change: c.215A>C on transcript NM_001848.3 (MANE Select); coding-DNA position 215, A replaced by C.
Protein change: p.Asn72Thr; replaces asparagine 72 with threonine.
Molecular consequence: missense variant.
Genome position (GRCh38, 1-based): chr21:45,982,751, A>C. VCF-style: chr21-45982751-A-C. GRCh37 (hg19) VCF-style: chr21-47402665-A-C.
Other names: short protein forms N72T.
Identifiers: ClinVar variation 2440351 (VCV002440351.4), dbSNP rs2077715289, ClinGen allele CA410514798.